The following is an entry in ClinVar:

NM_000069.3(CACNA1S):c.2631C>T (p.Ala877=)

Gene: CACNA1S (calcium voltage-gated channel subunit alpha1 S; minus strand). Cytogenetic location: 1q32.1.
Variant type: single nucleotide variant.
Coding change: c.2631C>T on transcript NM_000069.3 (MANE Select); coding-DNA position 2631, C replaced by T.
Protein change: p.Ala877=; no amino-acid change (alanine 877 retained).
Molecular consequence: synonymous variant.
Genome position (GRCh38, 1-based): chr1:201,066,913, G>A on the plus strand (C>T on the coding strand, the complement: CACNA1S is on the minus strand). VCF-style: chr1-201066913-G-A. GRCh37 (hg19) VCF-style: chr1-201036041-G-A.
Identifiers: ClinVar variation 1651252 (VCV001651252.11), dbSNP rs747402764, ClinGen allele CA079147.
Genomic context (GRCh38, chr1:201,066,913, plus strand): 5'-TCTGTGCCCAGGGCTGGCCCTTGCCGCTGCTCACTCAAGTCCCATGGAGATGAGGGACAC[G>A]GCCACCACCAGCAGGTCCAGCATGTTGAAGTAATTGCGGCAGAAGGAACCCTTGTGCAGG-3'
Protein context (NP_000060.2, residues 867-887): YFNMLDLLVV[Ala877=]VSLISMGLES

ClinVar aggregate classification (germline): Likely benign. Review status: criteria provided, multiple submitters, no conflicts (2 of 4 stars). 4 submissions from 4 submitters: Likely benign (4). Last evaluated 2024-12-19.

Conditions:
Malignant hyperthermia, susceptibility to, 5 (MHS5). Also called: CACNA1S-Related Malignant Hyperthermia Susceptibility. Identifiers: Orphanet 423, MedGen C1866077, MONDO:0011163, OMIM 601887.
Hypokalemic periodic paralysis, type 1. Also called: Hypokalemic Periodic Paralysis Type 1 (AD); HypoPP. Identifiers: Orphanet 681, MedGen C3714580, MONDO:0042979, OMIM 170400.

Allele frequency attached by ClinVar (database versions not stated): gnomAD 0.00001; gnomAD exomes 0.00001; ExAC 0.00002.
gnomAD v4.1: 17 of 1,613,952 alleles (0.0011%); highest among the groups gnomAD compares: Admixed American, 0.0033%; no homozygotes.

Submissions (4):

Labcorp Genetics (formerly Invitae), Labcorp
Classification: Likely benign for Hypokalemic periodic paralysis, type 1; Malignant hyperthermia, susceptibility to, 5. Last evaluated: 2024-12-19. Review status: criteria provided, single submitter. Criteria: Invitae Variant Classification Sherloc (09022015). Collection method: clinical testing. Allele origin: germline.

All of Us Research Program, National Institutes of Health
Classification: Likely benign for Malignant hyperthermia, susceptibility to, 5. Last evaluated: 2023-11-30. Review status: criteria provided, single submitter. Criteria: ACMG Guidelines, 2015. Collection method: clinical testing. Allele origin: germline. Inheritance: Autosomal dominant inheritance. Observed: 4 variant alleles, 4 heterozygotes.
Comment: This study involves interpretation of variants in research participants for the purpose of population health screening. Participant phenotype was not available at the time of variant classification. Additional details can be found in publication PMID: 35346344, PMCID: PMC8962531

Color Diagnostics, LLC DBA Color Health
Classification: Likely benign for Malignant hyperthermia, susceptibility to, 5. Last evaluated: 2022-11-06. Review status: criteria provided, single submitter. Criteria: ACMG Guidelines, 2015. Collection method: clinical testing. Allele origin: germline.

Blueprint Genetics
Classification: Likely benign. Last evaluated: 2022-08-02. Review status: criteria provided, single submitter. Criteria: ACMG Guidelines, 2015. Collection method: clinical testing. Allele origin: germline.